The following is an entry in ClinVar:

ClinVar aggregate classification (germline): Likely benign (1 of 4 stars; one submission).

Submission:

CeGaT Center for Human Genetics Tuebingen
Classification: Likely benign. Last evaluated: 2024-11-01. Review status: criteria provided, single submitter. Criteria: CeGaT Center For Human Genetics Tuebingen Variant Classification Criteria Version 2. Collection method: clinical testing. Allele origin: germline. Affected: yes. Observed: 1 variant allele.
Comment: DMPK: PM2:Supporting, BP4, BP7

NM_004409.5(DMPK):c.366G>T (p.Val122=)

Gene: DMPK (DM1 protein kinase; minus strand). Cytogenetic location: 19q13.32.
Variant type: single nucleotide variant.
Coding change: c.366G>T on transcript NM_004409.5 (MANE Select); coding-DNA position 366, G replaced by T.
Protein change: p.Val122=; no amino-acid change (valine 122 retained).
Molecular consequence: synonymous variant. On other transcripts: intron variant (1).
Genome position (GRCh38, 1-based): chr19:45,779,330, C>A on the plus strand (G>T on the coding strand, the complement: DMPK is on the minus strand). VCF-style: chr19-45779330-C-A. GRCh37 (hg19) VCF-style: chr19-46282588-C-A.
Other names: c.366G>T, p.Val122= (NM_001081560.3, NM_001081562.3, NM_001288766.2 and 5 more transcripts); c.396G>T, p.Val132= (NM_001081563.3); c.444G>T, p.Val148= (NM_001288764.2, NM_001424163.1); c.99G>T, p.Val33= (NM_001288765.2); c.-154-52G>T (NM_001424166.1).
Identifiers: ClinVar variation 3390111 (VCV003390111.14).